The following is an entry in ClinVar:

ClinVar aggregate classification (germline): Likely benign (1 of 4 stars; one submission).

Allele frequency attached by ClinVar (database versions not stated): 1000 Genomes Project 30x 0.00390; 1000 Genomes Project 0.00399; gnomAD 0.00461 and 0.00498; TOPMed 0.00527.
gnomAD v4.1: 691 of 152,114 alleles (0.45%); highest among the groups gnomAD compares: African/African-American, 1.6%; 6 homozygotes.

Submission:

GeneDx
Classification: Likely benign. Last evaluated: 2018-06-14. Review status: criteria provided, single submitter. Criteria: GeneDx Variant Classification (06012015). Collection method: clinical testing. Allele origin: germline. Affected: yes.
Comment: This variant is considered likely benign or benign based on one or more of the following criteria: it is a conservative change, it occurs at a poorly conserved position in the protein, it is predicted to be benign by multiple in silico algorithms, and/or has population frequency not consistent with disease.

NM_001042492.3(NF1):c.3198-289A>G

Gene: NF1 (neurofibromin 1; plus strand). Cytogenetic location: 17q11.2.
Variant type: single nucleotide variant.
Coding change: c.3198-289A>G on transcript NM_001042492.3 (MANE Select); 289 bases into the intron before coding-DNA position 3198, A replaced by G.
Molecular consequence: intron variant.
Genome position (GRCh38, 1-based): chr17:31,231,784, A>G. VCF-style: chr17-31231784-A-G. GRCh37 (hg19) VCF-style: chr17-29558802-A-G.
Other names: c.3198-289A>G (NM_000267.4).
Identifiers: ClinVar variation 561910 (VCV000561910.1), dbSNP rs139288440, ClinGen allele CA289337392.